The following is an entry in ClinVar:

ClinVar aggregate classification (germline): Likely pathogenic. Review status: criteria provided, multiple submitters, no conflicts (2 of 4 stars). 3 submissions from 3 submitters: Likely pathogenic (3). Last evaluated 2025-04-17.

Conditions:
Familial thoracic aortic aneurysm and aortic dissection (TAAD). Also called: Thoracic aortic aneurysms and dissections. Identifiers: Orphanet 91387, MedGen C4707243, MONDO:0019625.
Marfan syndrome (MFS). Also called: Marfan's syndrome; Marfan syndrome, classic; MARFAN SYNDROME, TYPE I; Marfan syndrome type 1; FBN1-Related Marfan Syndrome. Identifiers: Orphanet 284963, Orphanet 558, MedGen C0024796, MONDO:0007947, OMIM 154700.

Submissions (3):

Ambry Genetics
Classification: Likely pathogenic for Familial thoracic aortic aneurysm and aortic dissection. Last evaluated: 2025-04-17. Review status: criteria provided, single submitter. Criteria: Ambry Variant Classification Scheme 2023. Collection method: clinical testing. Allele origin: germline.
Comment: The p.C546Y variant (also known as c.1637G>A), located in coding exon 13 of the FBN1 gene, results from a G to A substitution at nucleotide position 1637. The cysteine at codon 546 is replaced by tyrosine, an amino acid with highly dissimilar properties. The majority of FBN1 mutations identified to date have involved the substitution or generation of cysteine residues within cbEGF domains (Vollbrandt T et al. J Biol Chem. 2004;279(31):32924-32931). Internal structural analysis indicates this alteration eliminates a disulfide bond critical for the structural integrity of the cbEGF4 domain (Ambry internal data). This variant was reported in individual(s) with features consistent with Marfan syndrome (external communication; Ambry internal data). This variant is considered to be rare based on population cohorts in the Genome Aggregation Database (gnomAD. This amino acid position is highly conserved in available vertebrate species. In addition, this alteration is predicted to be deleterious by in silico analysis. Based on the majority of available evidence to date, this variant is likely to be pathogenic.

Labcorp Genetics (formerly Invitae), Labcorp
Classification: Likely pathogenic for Marfan syndrome; Familial thoracic aortic aneurysm and aortic dissection. Last evaluated: 2023-04-25. Review status: criteria provided, single submitter. Criteria: Invitae Variant Classification Sherloc (09022015). Collection method: clinical testing. Allele origin: germline.
Comment: This variant disrupts the p.Cys546 amino acid residue in FBN1. Other variant(s) that disrupt this residue have been observed in individuals with FBN1-related conditions (PMID: 17657824; Invitae), which suggests that this may be a clinically significant amino acid residue. This sequence change replaces cysteine, which is neutral and slightly polar, with tyrosine, which is neutral and polar, at codon 546 of the FBN1 protein (p.Cys546Tyr). This variant is not present in population databases (gnomAD no frequency). This missense change has been observed in individual(s) with Marfan syndrome (Invitae). ClinVar contains an entry for this variant (Variation ID: 1804178). Advanced modeling of protein sequence and biophysical properties (such as structural, functional, and spatial information, amino acid conservation, physicochemical variation, residue mobility, and thermodynamic stability) performed at Invitae indicates that this missense variant is expected to disrupt FBN1 protein function. This variant affects a cysteine residue in the EGF-like, TGFBP or hybrid motif domains of FBN1. Cysteine residues are believed to be involved in intramolecular disulfide bridges and have been shown to be important for FBN1 protein structure (PMID: 16905551, 19349279). In addition, missense substitutions affecting cysteine residues within these domains are significantly overrepresented among patients with Marfan syndrome (PMID: 16571647, 17701892). In summary, the currently available evidence indicates that the variant is pathogenic, but additional data are needed to prove that conclusively. Therefore, this variant has been classified as Likely Pathogenic.

Kasturba Medical College, Manipal, Kasturba Medical College, Manipal, Manipal Academy of Higher Education, Manipal, India
Classification: Likely pathogenic for Marfan syndrome. Review status: criteria provided, single submitter. Criteria: ACMG Guidelines, 2015. Collection method: clinical testing. Allele origin: de novo. Inheritance: Autosomal dominant inheritance. Affected: yes. Observed: 1 heterozygote.

Literature cited by the submitters: PubMed 17657824 (cited by Labcorp Genetics (formerly Invitae), Labcorp); PubMed 16905551 (cited by Labcorp Genetics (formerly Invitae), Labcorp); PubMed 19349279 (cited by Labcorp Genetics (formerly Invitae), Labcorp); PubMed 16571647 (cited by Labcorp Genetics (formerly Invitae), Labcorp); PubMed 17701892 (cited by Labcorp Genetics (formerly Invitae), Labcorp).

NM_000138.5(FBN1):c.1637G>A (p.Cys546Tyr)

Gene: FBN1 (fibrillin 1; minus strand). Cytogenetic location: 15q21.1.
Variant type: single nucleotide variant.
Coding change: c.1637G>A on transcript NM_000138.5 (MANE Select); coding-DNA position 1637, G replaced by A.
Protein change: p.Cys546Tyr; replaces cysteine 546 with tyrosine.
Molecular consequence: missense variant.
Genome position (GRCh38, 1-based): chr15:48,510,121, C>T on the plus strand (G>A on the coding strand, the complement: FBN1 is on the minus strand). VCF-style: chr15-48510121-C-T. GRCh37 (hg19) VCF-style: chr15-48802318-C-T.
Other names: c.1637G>A, p.Cys546Tyr (NM_001406716.1); short protein forms C546Y.
Identifiers: ClinVar variation 1804178 (VCV001804178.7), dbSNP rs112644647, ClinGen allele CA269554415.